The following is an entry in ClinVar:

ClinVar aggregate classification (germline): Uncertain significance (0 of 4 stars; one submission).

Conditions:
Prostate cancer. Also called: Malignant tumor of prostate. Identifiers: Orphanet 1331, MedGen C0376358, MONDO:0008315, HP:0012125.

Submission:

Science for Life laboratory,  Karolinska Institutet
Classification: Uncertain significance for Malignant tumor of prostate. Review status: no assertion criteria provided. Collection method: not provided. Allele origin: somatic.
Comment: TumorID:SWE-18
ClinVar note: Converted during submission from Unknown to Uncertain significance.

NM_001080.3(ALDH5A1):c.1608G>C (p.Ter536Tyr)

Gene: ALDH5A1 (aldehyde dehydrogenase 5 family member A1; plus strand). Cytogenetic location: 6p22.3.
Variant type: single nucleotide variant.
Coding change: c.1608G>C on transcript NM_001080.3 (MANE Select); coding-DNA position 1608, G replaced by C.
Protein change: p.Ter536Tyr.
Molecular consequence: stop lost.
Genome position (GRCh38, 1-based): chr6:24,533,712, G>C. VCF-style: chr6-24533712-G-C. GRCh37 (hg19) VCF-style: chr6-24533940-G-C.
Other names: *536Y; *549Y; *488Y; c.1464G>C, p.Ter488Tyr (NM_001368954.1); c.1647G>C, p.Ter549Tyr (NM_170740.1).
Identifiers: ClinVar variation 161509 (VCV000161509.2), dbSNP rs193920892, ClinGen allele CA174168.